The following is an entry in ClinVar:

NM_001165963.4(SCN1A):c.*1864T>A

Genes: SCN1A (sodium voltage-gated channel alpha subunit 1; minus strand), LOC102724058 (uncharacterized LOC102724058; plus strand). Cytogenetic location: 2q24.3.
Variant type: single nucleotide variant.
Coding change: c.*1864T>A on transcript NM_001165963.4 (MANE Select); 1864 bases downstream of the stop codon, T replaced by A.
Molecular consequence: 3 prime UTR variant. On other transcripts: non-coding transcript variant (1).
Genome position (GRCh38, 1-based): chr2:165,989,381, A>T on the plus strand (T>A on the coding strand, the complement: SCN1A is on the minus strand). VCF-style: chr2-165989381-A-T. GRCh37 (hg19) VCF-style: chr2-166845891-A-T.
Other names: c.*1864T>A (NM_001165964.3, NM_001202435.3, NM_001353948.2 and 11 more transcripts).
Identifiers: ClinVar variation 331860 (VCV000331860.37), dbSNP rs150155252, ClinGen allele CA10612478.

ClinVar aggregate classification (germline): Conflicting classifications of pathogenicity. Review status: criteria provided, conflicting classifications (1 of 4 stars). 3 submissions from 2 submitters: Uncertain significance (1); Likely benign (2). Last evaluated 2023-11-01.

Conditions:
Generalized epilepsy with febrile seizures plus, type 2 (GEFSP2). Also called: GEFS+, TYPE 2. Identifiers: Orphanet 36387, MedGen C1858673, MONDO:0011461, OMIM 604403.
Migraine, familial hemiplegic, 3. Identifiers: Orphanet 569, MedGen C1864987, MONDO:0012320, OMIM 609634.

Allele frequency attached by ClinVar (database versions not stated): 1000 Genomes Project 30x 0.00156; 1000 Genomes Project 0.00160; gnomAD exomes 0.00242; TOPMed 0.00279; gnomAD 0.00330 and 0.00341.
gnomAD v4.1: 499 of 152,634 alleles (0.33%); highest among the groups gnomAD compares: Non-Finnish European, 0.51%; 2 homozygotes.

Submissions (3):

CeGaT Center for Human Genetics Tuebingen
Classification: Likely benign. Last evaluated: 2023-11-01. Review status: criteria provided, single submitter. Criteria: CeGaT Center For Human Genetics Tuebingen Variant Classification Criteria Version 2. Collection method: clinical testing. Allele origin: germline. Affected: yes. Observed: 13 variant alleles.
Comment: SCN1A: BS1

Illumina Laboratory Services, Illumina
Classification: Likely benign for Migraine, familial hemiplegic, 3. Last evaluated: 2018-01-13. Review status: criteria provided, single submitter. Criteria: ICSL Variant Classification Criteria 13 December 2019. Collection method: clinical testing. Allele origin: germline.
Comment: This variant was observed in the ICSL laboratory as part of a predisposition screen in an ostensibly healthy population. It had not been previously curated by ICSL or reported in the Human Gene Mutation Database (HGMD: prior to June 1st, 2018), and was therefore a candidate for classification through an automated scoring system. Utilizing variant allele frequency, disease prevalence and penetrance estimates, and inheritance mode, an automated score was calculated to assess if this variant is too frequent to cause the disease. Based on the score and internal cut-off values, a variant classified as likely benign is not then subjected to further curation. The score for this variant resulted in a classification of likely benign for this disease.

Illumina Laboratory Services, Illumina
Classification: Uncertain significance for Generalized epilepsy with febrile seizures plus, type 2. Last evaluated: 2018-01-13. Review status: criteria provided, single submitter. Criteria: ICSL Variant Classification Criteria 13 December 2019. Collection method: clinical testing. Allele origin: germline.